The following is an entry in ClinVar:

ClinVar aggregate classification (germline): Pathogenic (1 of 4 stars; one submission).

Conditions:
PKD2-related disorder. Also called: PKD2-related condition.

Submission:

PreventionGenetics, part of Exact Sciences
Classification: Pathogenic for PKD2-related condition. Last evaluated: 2025-09-09. Review status: criteria provided, single submitter. Criteria: ACMG Guidelines, 2015. Collection method: clinical testing. Allele origin: germline.
Comment: The PKD2 c.440_441delCG variant is predicted to result in a frameshift and premature protein termination (p.Ala147Glyfs*65). To our knowledge, this variant has not been reported in the literature or in a large population database (gnomAD), indicating this variant is rare. Frameshift variants in PKD2 are expected to be pathogenic. This variant is interpreted as pathogenic.

NM_000297.4(PKD2):c.440_441del (p.Ala147fs)

Genes: PKD2 (polycystin 2, transient receptor potential cation channel; plus strand), LOC129992813 (ATAC-STARR-seq lymphoblastoid silent region 15559; plus strand). Cytogenetic location: 4q22.1.
Variant type: Microsatellite.
Coding change: c.440_441del on transcript NM_000297.4 (MANE Select); coding-DNA positions 440 to 441, 2 bases deleted (CG; older notation c.440_441delCG).
Protein change: p.Ala147fs; shifts the reading frame from alanine 147.
Molecular consequence: frameshift variant. On other transcripts: non-coding transcript variant (1).
Genome position (GRCh38, 1-based): chr4:88,008,173-88,008,174, CG deleted; deleting any 2 consecutive bases within chr4:88,008,170-88,008,174 gives the same sequence; the c. name uses the placement nearest the transcript's 3' end. VCF-style (leftmost placement, unchanged base first): chr4-88008169-GGC-G. GRCh37 (hg19) VCF-style: chr4-88929321-GGC-G.
Other names: c.440_441del, p.Ala147fs (NM_001440544.1); short protein forms A147fs.
Identifiers: ClinVar variation 4991968 (VCV004991968.1).